The following is an entry in ClinVar:

NM_213599.3(ANO5):c.475C>A (p.Pro159Thr)

Gene: ANO5 (anoctamin 5; plus strand). Cytogenetic location: 11p14.3.
Variant type: single nucleotide variant.
Coding change: c.475C>A on transcript NM_213599.3 (MANE Select); coding-DNA position 475, C replaced by A.
Protein change: p.Pro159Thr; replaces proline 159 with threonine.
Molecular consequence: missense variant.
Genome position (GRCh38, 1-based): chr11:22,227,413, C>A. VCF-style: chr11-22227413-C-A. GRCh37 (hg19) VCF-style: chr11-22248959-C-A.
Other names: c.472C>A, p.Pro158Thr (NM_001142649.2); short protein forms P158T, P159T.
Identifiers: ClinVar variation 655916 (VCV000655916.7), dbSNP rs866752563, ClinGen allele CA218735313.

ClinVar aggregate classification (germline): Uncertain significance (1 of 4 stars; one submission).

Conditions:
Autosomal recessive limb-girdle muscular dystrophy type 2L (LGMDR12). Also called: Limb-girdle muscular dystrophy, type 2L; Limb-Girdle Muscular Dystrophy R12 Anoctamin-5-Related (LGMD-R12); MUSCULAR DYSTROPHY, LIMB-GIRDLE, AUTOSOMAL RECESSIVE 12. Identifiers: Orphanet 206549, MedGen C1969785, MONDO:0012652, OMIM 611307.
Gnathodiaphyseal dysplasia (GDD). Also called: GNATHODIAPHYSEAL SCLEROSIS; OSTEOGENESIS IMPERFECTA WITH UNUSUAL SKELETAL LESIONS. Identifiers: Orphanet 53697, MedGen C1833736, MONDO:0008151, OMIM 166260.

Allele frequency attached by ClinVar (database versions not stated): gnomAD 0.00001; TOPMed 0.00001.
gnomAD v4.1: 9 of 1,613,346 alleles (0.00056%); highest among the groups gnomAD compares: Admixed American, 0.0033%; no homozygotes.

Submission:

Labcorp Genetics (formerly Invitae), Labcorp
Classification: Uncertain significance for Autosomal recessive limb-girdle muscular dystrophy type 2L; Gnathodiaphyseal dysplasia. Last evaluated: 2022-07-05. Review status: criteria provided, single submitter. Criteria: Invitae Variant Classification Sherloc (09022015). Collection method: clinical testing. Allele origin: germline.
Comment: In summary, the available evidence is currently insufficient to determine the role of this variant in disease. Therefore, it has been classified as a Variant of Uncertain Significance. Advanced modeling of protein sequence and biophysical properties (such as structural, functional, and spatial information, amino acid conservation, physicochemical variation, residue mobility, and thermodynamic stability) performed at Invitae indicates that this missense variant is not expected to disrupt ANO5 protein function. ClinVar contains an entry for this variant (Variation ID: 655916). This variant has not been reported in the literature in individuals affected with ANO5-related conditions. This variant is not present in population databases (gnomAD no frequency). This sequence change replaces proline, which is neutral and non-polar, with threonine, which is neutral and polar, at codon 159 of the ANO5 protein (p.Pro159Thr).